The following is an entry in ClinVar:

ClinVar aggregate classification (germline): Benign/Likely benign. Review status: criteria provided, multiple submitters, no conflicts (2 of 4 stars). 23 submissions from 22 submitters: Benign (18); Likely benign (1). 4 of the submissions do not count toward it. Last evaluated 2026-02-04.

Conditions:
Lymphangiomyomatosis (LAM). Also called: Lymphangioleiomyomatosis; Lymphangioleiomyomatosis, somatic. Identifiers: Orphanet 538, MedGen C0751674, MONDO:0011705, OMIM 606690.
Tuberous sclerosis 2 (TSC2). Identifiers: Orphanet 805, MedGen C1860707, MONDO:0013199, OMIM 613254.
Isolated focal cortical dysplasia type II (FCORD2). Also called: CORTICAL DYSPLASIA OF TAYLOR; Focal cortical dysplasia type II. Identifiers: Orphanet 268994, MedGen C1846385, MONDO:0011818, OMIM 607341, HP:0032051.
Tuberous sclerosis syndrome (TSC). Also called: Tuberous Sclerosis Complex; Tuberous sclerosis. Identifiers: Orphanet 805, MedGen C0041341, MONDO:0001734.
Polycystic kidney disease, adult type (PKD1). Also called: POLYCYSTIC KIDNEY DISEASE 1 WITH OR WITHOUT POLYCYSTIC LIVER DISEASE; POLYCYSTIC KIDNEY DISEASE, ADULT, TYPE I; Polycystic Kidney, Autosomal Dominant; Polycystic Kidney Disease 1, Autosomal Dominant; Polycystic kidney disease 1; Polycystic kidney disease 1, severe. Identifiers: MedGen C3149841, MONDO:0008263, OMIM 173900.

Allele frequency attached by ClinVar (database versions not stated): gnomAD exomes 0.19963; ExAC 0.20672; gnomAD 0.30182; TOPMed 0.30827; ESP Exome Variant Server 0.32849; 1000 Genomes Project 0.25699; 1000 Genomes Project 30x 0.26515.
gnomAD v4.1: 351,137 of 1,612,766 alleles (22%); highest among the groups gnomAD compares: African/African-American, 56%; 45,089 homozygotes.

Submissions (23):

Labcorp Genetics (formerly Invitae), Labcorp
Classification: Benign for Tuberous sclerosis 2. Last evaluated: 2026-02-04. Review status: criteria provided, single submitter. Criteria: Invitae Variant Classification Sherloc (09022015). Collection method: clinical testing. Allele origin: germline.

ARUP Laboratories, Molecular Genetics and Genomics, ARUP Laboratories
Classification: Benign. Last evaluated: 2025-07-23. Review status: criteria provided, single submitter. Criteria: ARUP Molecular Germline Variant Investigation Process 2024. Collection method: clinical testing. Allele origin: germline.

Myriad Genetics, Inc.
Classification: Benign for Tuberous sclerosis 2. Last evaluated: 2025-06-06. Review status: criteria provided, single submitter. Criteria: Myriad Autosomal Dominant, Autosomal Recessive and X-Linked Classification Criteria (2023). Collection method: clinical testing. Allele origin: unknown.
Comment: This variant is considered benign. This variant is intronic and is not expected to impact mRNA splicing. This variant has been observed at a population frequency that is significantly greater than expected given the associated disease prevalence and penetrance.

KCCC/NGS Laboratory, Kuwait Cancer Control Center
Classification: Benign for Polycystic kidney disease, adult type. Last evaluated: 2025-02-01. Review status: criteria provided, single submitter. Criteria: ACMG Guidelines, 2015. Collection method: clinical testing. Allele origin: germline. Affected: no.

Blueprint Genetics
Classification: Benign. Last evaluated: 2024-11-27. Review status: criteria provided, single submitter. Criteria: ACMG Guidelines, 2015. Collection method: clinical testing. Allele origin: germline.

Unidad de Genómica Garrahan, Hospital de Pediatría Garrahan
Classification: Benign. Last evaluated: 2024-07-15. Review status: criteria provided, single submitter. Criteria: ACMG Guidelines, 2015. Collection method: clinical testing. Allele origin: germline. Affected: no. Observed: 31 variant alleles.
Comment: This variant is classified as Benign based on local population frequency. This variant was detected in 33% of patients studied in a panel designed for Epileptic and Developmental Encephalopathy and Progressive Myoclonus Epilepsy. Number of patients: 31. Only high quality variants are reported.

KCCC/NGS Laboratory, Kuwait Cancer Control Center
Classification: Benign for Tuberous sclerosis 2. Last evaluated: 2023-07-07. Review status: criteria provided, single submitter. Criteria: ACMG Guidelines, 2015. Collection method: clinical testing. Allele origin: germline. Affected: yes.

Department of Pathology and Laboratory Medicine, Sinai Health System
Classification: Benign for tuberous sclerosis. Last evaluated: 2023-01-19. Review status: criteria provided, single submitter. Criteria: ACMG Guidelines, 2015. Collection method: clinical testing. Allele origin: germline. Affected: yes.

Fulgent Genetics
Classification: Likely benign for Lymphangiomyomatosis; Isolated focal cortical dysplasia type II; Tuberous sclerosis 2. Last evaluated: 2022-04-29. Review status: criteria provided, single submitter. Criteria: ACMG Guidelines, 2015. Collection method: clinical testing. Allele origin: unknown.

Mayo Clinic Laboratories, Mayo Clinic
Classification: Benign. Last evaluated: 2022-03-10. Review status: criteria provided, single submitter. Criteria: ACMG Guidelines, 2015. Collection method: clinical testing. Allele origin: germline. Observed: 646 variant alleles.

Genome-Nilou Lab
Classification: Benign for Tuberous sclerosis 2. Last evaluated: 2021-11-07. Review status: criteria provided, single submitter. Criteria: ACMG Guidelines, 2015. Collection method: clinical testing. Allele origin: germline. Affected: no.

Color Diagnostics, LLC DBA Color Health
Classification: Benign for Tuberous sclerosis syndrome. Last evaluated: 2019-03-28. Review status: criteria provided, single submitter. Criteria: ACMG Guidelines, 2015. Collection method: clinical testing. Allele origin: germline.

Illumina Laboratory Services, Illumina
Classification: Benign for Tuberous sclerosis syndrome. Last evaluated: 2018-01-13. Review status: criteria provided, single submitter. Criteria: ICSL Variant Classification Criteria 13 December 2019. Collection method: clinical testing. Allele origin: germline.
Comment: This variant was observed in the ICSL laboratory as part of a predisposition screen in an ostensibly healthy population. It had not been previously curated by ICSL or reported in the Human Gene Mutation Database (HGMD: prior to June 1st, 2018), and was therefore a candidate for classification through an automated scoring system. Utilizing variant allele frequency, disease prevalence and penetrance estimates, and inheritance mode, an automated score was calculated to assess if this variant is too frequent to cause the disease. Based on the score and internal cut-off values, a variant classified as benign is not then subjected to further curation. The score for this variant resulted in a classification of benign for this disease.

Athena Diagnostics
Classification: Benign for Tuberous sclerosis 2. Last evaluated: 2017-04-14. Review status: criteria provided, single submitter. Criteria: Athena Diagnostics Criteria. Collection method: clinical testing. Allele origin: germline.

Women's Health and Genetics/Laboratory Corporation of America, LabCorp
Classification: Benign. Last evaluated: 2016-08-23. Review status: criteria provided, single submitter. Criteria: LabCorp Variant Classification Summary - May 2015. Collection method: clinical testing. Allele origin: germline.
Comment: Variant summary: The TSC2 c.5161-10A>C variant involves the alteration of a non-conserved intronic nucleotide with 5/5 splice prediction tools predicting no significant impact on splicing. The variant of interest was observed in the large, broad control population, ExAC, with an allele frequency of 24902/120464 (3635 homozygotes, 1/4), which significantly exceeds the estimated maximal expected allele frequency for a pathogenic TSC2 variant of 1/14534 (0.0000688), suggesting this variant is likely a benign polymorphism. In addition, multiple reputable clinical laboratories cite the variant as "benign/likely benign." Therefore, the variant of interest has been classified as Benign.

GeneDx
Classification: Benign. Last evaluated: 2015-03-03. Review status: criteria provided, single submitter. Criteria: GeneDx Variant Classification Process June 2021. Collection method: clinical testing. Allele origin: germline. Affected: yes.

Laboratory for Molecular Medicine, Mass General Brigham Personalized Medicine
Classification: Benign. Last evaluated: 2013-02-21. Review status: criteria provided, single submitter. Criteria: LMM Criteria. Collection method: clinical testing. Allele origin: germline. Observed: 37 variant alleles.
Comment: 5161-10A>C in intron 40 of TSC2: This variant is not expected to have clinical s ignificance because it has been identified in 45.7% (2010/4396) of African Ameri can chromosomes from a broad population by the NHLBI Exome Sequencing Project (dbSNP rs1800718).

Breakthrough Genomics
Classification: Benign. Review status: criteria provided, single submitter. Criteria: ACMG Guidelines, 2015. Collection method: not provided. Allele origin: germline. Inheritance: Autosomal dominant inheritance. Affected: yes.

PreventionGenetics, part of Exact Sciences
Classification: Benign. Review status: criteria provided, single submitter. Criteria: ACMG Guidelines, 2015. Collection method: clinical testing. Allele origin: germline.

Diagnostic Laboratory, Department of Genetics, University Medical Center Groningen
Classification: Benign. Review status: no assertion criteria provided. Collection method: clinical testing. Allele origin: germline. Affected: yes. Study: VKGL Data-share Consensus. Not counted in ClinVar's aggregate classification.

Genetic Services Laboratory, University of Chicago
Classification: Likely benign for AllHighlyPenetrant. Review status: no assertion criteria provided. Collection method: clinical testing. Allele origin: germline. Inheritance: Autosomal dominant inheritance. Not counted in ClinVar's aggregate classification.
Comment: Likely benign based on allele frequency in 1000 Genomes Project or ESP global frequency and its presence in a patient with a rare or unrelated disease phenotype. NOT Sanger confirmed.

Genome Diagnostics Laboratory, University Medical Center Utrecht
Classification: Benign. Review status: no assertion criteria provided. Collection method: clinical testing. Allele origin: germline. Affected: yes. Study: VKGL Data-share Consensus. Not counted in ClinVar's aggregate classification.

Tuberous sclerosis database (TSC2)
No classification provided. Condition: TSC. Review status: no classification provided. Criteria: Tuberous Sclerosis Database Assertion Criteria 2015. Collection method: curation. Allele origin: germline. Affected: yes and no. Not counted in ClinVar's aggregate classification.

NM_000548.5(TSC2):c.5161-10A>C

Genes: PKD1 (polycystin 1, transient receptor potential channel interacting; minus strand), TSC2 (TSC complex subunit 2; plus strand). Cytogenetic location: 16p13.3.
Variant type: single nucleotide variant.
Coding change: c.5161-10A>C on transcript NM_000548.5 (MANE Select); 10 bases into the intron before coding-DNA position 5161, A replaced by C.
Molecular consequence: intron variant.
Genome position (GRCh38, 1-based): chr16:2,088,217, A>C. VCF-style: chr16-2088217-A-C. GRCh37 (hg19) VCF-style: chr16-2138218-A-C.
Other names: p.?; c.5092-10A>C (NM_001114382.3); c.5032-10A>C (NM_021055.3); c.5032-22A>C (NM_001370405.1); c.4963-10A>C (NM_001363528.2); c.5029-10A>C (NM_001370404.1); c.4960-10A>C (NM_001077183.3); c.4852-10A>C (NM_001318827.2); and 4 more.
Identifiers: ClinVar variation 49431 (VCV000049431.52), dbSNP rs1800718, ClinGen allele CA021994.
Genomic context (GRCh38, chr16:2,088,217, plus strand): 5'-CAGGCGTGAGCTGGTGGGACAGGCCCAGGTGCCACCTGATAGTGAGCTCACCCCCTGCCT[A>C]CGTCCCCAGATGGCCTCACAGGTGCATCATAGCCGCTCCAACCCCACCGATATCTACCCC-3'